The following is an entry in ClinVar:

ClinVar aggregate classification (germline): Uncertain significance (1 of 4 stars; one submission).

Submission:

GeneDx
Classification: Uncertain significance. Last evaluated: 2019-07-23. Review status: criteria provided, single submitter. Criteria: GeneDx Variant Classification Process June 2021. Collection method: clinical testing. Allele origin: germline. Affected: yes.
Comment: Not observed in large population cohorts (Lek et al., 2016); In silico analysis, which includes protein predictors and evolutionary conservation, supports a deleterious effect; Has not been previously published as pathogenic or benign to our knowledge

NM_144670.6(A2ML1):c.630T>G (p.Ser210Arg)

Gene: A2ML1 (alpha-2-macroglobulin like 1; plus strand). Cytogenetic location: 12p13.31.
Variant type: single nucleotide variant.
Coding change: c.630T>G on transcript NM_144670.6 (MANE Select); coding-DNA position 630, T replaced by G.
Protein change: p.Ser210Arg; replaces serine 210 with arginine.
Molecular consequence: missense variant.
Genome position (GRCh38, 1-based): chr12:8,835,653, T>G. VCF-style: chr12-8835653-T-G. GRCh37 (hg19) VCF-style: chr12-8988249-T-G.
Other names: short protein forms S210R.
Identifiers: ClinVar variation 561776 (VCV000561776.2), dbSNP rs1565466561, ClinGen allele CA383821542.
Genomic context (GRCh38, chr12:8,835,653, plus strand): 5'-GGCAATGCTGGGCACCTACACTGTGGCAGTGGCTGAGGGCAAGACCTTTGGTACTTTCAG[T>G]GTGGAGGAATATGGTAGGTGGGGAAATGGACAGGCCAAAGTATTGGGCATAATCTCATCT-3'
Protein context (NP_653271.3, residues 200-220): VAEGKTFGTF[Ser210Arg]VEEYVLPKFK